The following is an entry in ClinVar:

GRCh37/hg19 2q37.3(chr2:237499041-242783384)x1

Genes: AGXT (alanine--glyoxylate aminotransferase; plus strand), ANKMY1 (ankyrin repeat and MYND domain containing 1; minus strand), ANO7 (anoctamin 7; plus strand), AQP12A (aquaporin 12A; plus strand), AQP12B (aquaporin 12B; minus strand) and 50 more. Cytogenetic location: 2q37.3.
Variant type: copy number loss.
Change: copy number 1 (one copy instead of two) of chr2:237,499,041-242,783,384 (5.28 Mb, GRCh37 coordinates, 1-based), cytogenetic band 2q37.3.
Identifiers: ClinVar variation 1340528 (VCV001340528.2).

ClinVar aggregate classification (germline): Pathogenic (1 of 4 stars; one submission).

Submission:

Quest Diagnostics Nichols Institute San Juan Capistrano
Classification: Pathogenic. Last evaluated: 2023-04-20. Review status: criteria provided, single submitter. Criteria: ACMG/ClinGen CNV Guidelines, 2019. Collection method: clinical testing. Allele origin: unknown.
Comment: This loss is consistent with chromosome 2q37 deletion syndrome (OMIM 600430). Patients with chromosome 2q37 deletion syndrome show highly variable clinical manifestations (Aldred et al 2004 J. Med. Genet. 41: 433-439. PMID: 15173228; Williams et al. Am J Hum Genet. 2010. Aug 13;87(2):219-28 PMID: 20691407; Fisch et al. Am J Med Genet A. 2016 Sep; 170(9):2282-91. PMID: 27282419; Gavril et al., Genes (Basel). 2023 Feb 11;14(2):465. PMID: 36833393; Le et al., Am J Med Genet A. 2019 May;179(5):782-791. PMID: 30848064; Doherty and Lacbawan. GeneReviews: 2q37 Microdeletion Syndrome. Based on gene content and current medical literature, this copy number variant (CNV) is classified as pathogenic.